The following is an entry in ClinVar:

NM_001184.4(ATR):c.3590A>G (p.Asp1197Gly)

Gene: ATR (ATR checkpoint kinase; minus strand). Cytogenetic location: 3q23.
Variant type: single nucleotide variant.
Coding change: c.3590A>G on transcript NM_001184.4 (MANE Select); coding-DNA position 3590, A replaced by G.
Protein change: p.Asp1197Gly; replaces aspartic acid 1197 with glycine.
Molecular consequence: missense variant.
Genome position (GRCh38, 1-based): chr3:142,538,617, T>C on the plus strand (A>G on the coding strand, the complement: ATR is on the minus strand). VCF-style: chr3-142538617-T-C. GRCh37 (hg19) VCF-style: chr3-142257459-T-C.
Other names: c.3398A>G, p.Asp1133Gly (NM_001354579.2); short protein forms D1133G, D1197G.
Identifiers: ClinVar variation 1732990 (VCV001732990.4), dbSNP rs1161786403, ClinGen allele CA354807652.

ClinVar aggregate classification (germline): Uncertain significance. Review status: criteria provided, multiple submitters, no conflicts (2 of 4 stars). 2 submissions from 2 submitters: Uncertain significance (2). Last evaluated 2024-10-15.

Conditions:
Inborn genetic diseases. Identifiers: MedGen C0950123, MeSH D030342.

Allele frequency attached by ClinVar (database versions not stated): gnomAD exomes 0.00001.
gnomAD v4.1: 11 of 1,613,368 alleles (0.00068%); highest among the groups gnomAD compares: South Asian, 0.0011%; no homozygotes.

Submissions (2):

Labcorp Genetics (formerly Invitae), Labcorp
Classification: Uncertain significance. Last evaluated: 2024-10-15. Review status: criteria provided, single submitter. Criteria: Invitae Variant Classification Sherloc (09022015). Collection method: clinical testing. Allele origin: germline.
Comment: This sequence change replaces aspartic acid, which is acidic and polar, with glycine, which is neutral and non-polar, at codon 1197 of the ATR protein (p.Asp1197Gly). This variant is present in population databases (no rsID available, gnomAD 0.003%). This variant has not been reported in the literature in individuals affected with ATR-related conditions. ClinVar contains an entry for this variant (Variation ID: 1732990). An algorithm developed to predict the effect of missense changes on protein structure and function (PolyPhen-2) suggests that this variant is likely to be disruptive. In summary, the available evidence is currently insufficient to determine the role of this variant in disease. Therefore, it has been classified as a Variant of Uncertain Significance.

Ambry Genetics
Classification: Uncertain significance for Inborn genetic diseases. Last evaluated: 2023-12-04. Review status: criteria provided, single submitter. Criteria: Ambry Variant Classification Scheme 2023. Collection method: clinical testing. Allele origin: germline.
Comment: The p.D1197G variant (also known as c.3590A>G), located in coding exon 19 of the ATR gene, results from an A to G substitution at nucleotide position 3590. The aspartic acid at codon 1197 is replaced by glycine, an amino acid with similar properties. This amino acid position is conserved. In addition, the in silico prediction for this alteration is inconclusive. Since supporting evidence is limited at this time, the clinical significance of this alteration remains unclear.